The following is an entry in ClinVar:

NM_001382430.1(AKT1):c.828+5G>A

Gene: AKT1 (AKT serine/threonine kinase 1; minus strand). Cytogenetic location: 14q32.33.
Variant type: single nucleotide variant.
Coding change: c.828+5G>A on transcript NM_001382430.1 (MANE Select); 5 bases into the intron after coding-DNA position 828, G replaced by A.
Molecular consequence: intron variant.
Genome position (GRCh38, 1-based): chr14:104,773,450, C>T on the plus strand (G>A on the coding strand, the complement: AKT1 is on the minus strand). VCF-style: chr14-104773450-C-T. GRCh37 (hg19) VCF-style: chr14-105239787-C-T.
Other names: c.828+5G>A (NM_001014431.2, NM_001014432.2, NM_001382433.1 and 3 more transcripts).
Identifiers: ClinVar variation 575194 (VCV000575194.8), dbSNP rs1199214347, ClinGen allele CA488716871.

ClinVar aggregate classification (germline): Uncertain significance (1 of 4 stars; one submission).

Conditions:
Cowden syndrome 6 (CWS6). Identifiers: Orphanet 201, MedGen C3554519, MONDO:0014048, OMIM 615109.

Allele frequency attached by ClinVar (database versions not stated): gnomAD below 0.00001 and 0.00001; TOPMed below 0.00001; gnomAD exomes 0.00001 and 0.00003.
gnomAD v4.1: 12 of 1,613,732 alleles (0.00074%); highest among the groups gnomAD compares: South Asian, 0.0088%; no homozygotes.

Submission:

Labcorp Genetics (formerly Invitae), Labcorp
Classification: Uncertain significance for Cowden syndrome 6. Last evaluated: 2022-01-26. Review status: criteria provided, single submitter. Criteria: Invitae Variant Classification Sherloc (09022015). Collection method: clinical testing. Allele origin: germline.
Comment: This sequence change falls in intron 9 of the AKT1 gene. It does not directly change the encoded amino acid sequence of the AKT1 protein. It affects a nucleotide within the consensus splice site. This variant is present in population databases (no rsID available, gnomAD 0.02%). This variant has not been reported in the literature in individuals affected with AKT1-related conditions. ClinVar contains an entry for this variant (Variation ID: 575194). Variants that disrupt the consensus splice site are a relatively common cause of aberrant splicing (PMID: 17576681, 9536098). Algorithms developed to predict the effect of sequence changes on RNA splicing suggest that this variant may disrupt the consensus splice site. In summary, the available evidence is currently insufficient to determine the role of this variant in disease. Therefore, it has been classified as a Variant of Uncertain Significance.

Literature cited by the submitters: PubMed 17576681; PubMed 9536098.